The following is an entry in ClinVar:

ClinVar aggregate classification (germline): Uncertain significance. Review status: criteria provided, multiple submitters, no conflicts (2 of 4 stars). 2 submissions from 2 submitters: Uncertain significance (2). Last evaluated 2025-12-22.

Conditions:
Atrial fibrillation, familial, 6 (ATFB6). Identifiers: MedGen C2677294, MONDO:0012816, OMIM 612201.

Submissions (2):

Labcorp Genetics (formerly Invitae), Labcorp
Classification: Uncertain significance for Atrial fibrillation, familial, 6. Last evaluated: 2025-12-22. Review status: criteria provided, single submitter. Criteria: Invitae Variant Classification Sherloc (09022015). Collection method: clinical testing. Allele origin: germline.
Comment: This sequence change creates a premature translational stop signal (p.Asp93Trpfs*13) in the NPPA gene. It is expected to result in an absent or disrupted protein product. However, the current clinical and genetic evidence is not sufficient to establish whether loss-of-function variants in NPPA cause disease. This variant is present in population databases (rs774165756, gnomAD 0.02%). This variant has not been reported in the literature in individuals affected with NPPA-related conditions. ClinVar contains an entry for this variant (Variation ID: 537322). In summary, the available evidence is currently insufficient to determine the role of this variant in disease. Therefore, it has been classified as a Variant of Uncertain Significance.

Women's Health and Genetics/Laboratory Corporation of America, LabCorp
Classification: Uncertain significance. Last evaluated: 2025-07-07. Review status: criteria provided, single submitter. Criteria: LabCorp Variant Classification Summary - May 2015. Collection method: clinical testing. Allele origin: germline.
Comment: Variant summary: NPPA c.277_278delGA (p.Asp93TrpfsX13) results in a premature termination codon, predicted to cause a truncation of the encoded protein or absence of the protein due to nonsense mediated decay, however current evidence is not sufficient to establish loss of function as a mechanism for disease. The variant allele was found at a frequency of 2.8e-05 in 249208 control chromosomes. The available data on variant occurrences in the general population are insufficient to allow any conclusion about variant significance. To our knowledge, no occurrence of c.277_278delGA in individuals affected with Atrial Fibrillation and no experimental evidence demonstrating its impact on protein function have been reported. ClinVar contains an entry for this variant (Variation ID: 537322). Based on the evidence outlined above, the variant was classified as uncertain significance.

NM_006172.4(NPPA):c.277_278del (p.Asp93fs)

Genes: NPPA (natriuretic peptide A; minus strand), NPPA-AS1 (NPPA antisense RNA 1; plus strand), LOC114827827 (VISTA enhancer hs2123; plus strand). Cytogenetic location: 1p36.22.
Variant type: Microsatellite.
Coding change: c.277_278del on transcript NM_006172.4 (MANE Select); coding-DNA positions 277 to 278, 2 bases deleted (GA; older notation c.277_278delGA).
Protein change: p.Asp93fs; shifts the reading frame from aspartic acid 93.
Molecular consequence: frameshift variant.
Genome position (GRCh38, 1-based): chr1:11,847,285-11,847,286, TC deleted on the plus strand (GA on the coding strand, the reverse complement: NPPA is on the minus strand); deleting any 2 consecutive bases within chr1:11,847,285-11,847,291 gives the same sequence; the c. name uses the placement nearest the transcript's 3' end. VCF-style (leftmost placement, unchanged base first): chr1-11847284-ATC-A. GRCh37 (hg19) VCF-style: chr1-11907341-ATC-A.
Other names: c.277_278delGA (NM_006172.4); c.277_278del (NM_006172.3); short protein forms D93fs.
Identifiers: ClinVar variation 537322 (VCV000537322.11), dbSNP rs774165756, ClinGen allele CA597041.